The following is an entry in ClinVar:

NM_032977.4(CASP10):c.808A>G (p.Thr270Ala)

Gene: CASP10 (caspase 10; plus strand). Cytogenetic location: 2q33.1.
Variant type: single nucleotide variant.
Coding change: c.808A>G on transcript NM_032977.4 (MANE Select); coding-DNA position 808, A replaced by G.
Protein change: p.Thr270Ala; replaces threonine 270 with alanine.
Molecular consequence: missense variant. On other transcripts: intron variant (4).
Genome position (GRCh38, 1-based): chr2:201,205,968, A>G. VCF-style: chr2-201205968-A-G. GRCh37 (hg19) VCF-style: chr2-202070691-A-G.
Other names: c.808A>G, p.Thr270Ala (NM_032974.5); c.685-2107A>G (NM_001206542.2, NM_001230.5); c.722-2107A>G (NM_032976.4); c.721+2202A>G (NM_001206524.2); short protein forms T270A.
Identifiers: ClinVar variation 3750333 (VCV003750333.2).

ClinVar aggregate classification (germline): Uncertain significance (1 of 4 stars; one submission).

Conditions:
Autoimmune lymphoproliferative syndrome type 2A (ALPS2A). Also called: CASP10-Related Autoimmune Lymphoproliferative Syndrome; Autoimmune lymphoproliferative syndrome type 2; AUTOIMMUNE LYMPHOPROLIFERATIVE SYNDROME, TYPE IIA. Identifiers: Orphanet 3261, MedGen C1858968, MONDO:0011383, OMIM 603909.

Submission:

Labcorp Genetics (formerly Invitae), Labcorp
Classification: Uncertain significance for Autoimmune lymphoproliferative syndrome type 2A. Last evaluated: 2025-10-20. Review status: criteria provided, single submitter. Criteria: Invitae Variant Classification Sherloc (09022015). Collection method: clinical testing. Allele origin: germline.
Comment: This sequence change replaces threonine, which is neutral and polar, with alanine, which is neutral and non-polar, at codon 270 of the CASP10 protein (p.Thr270Ala). This variant is not present in population databases (gnomAD no frequency). This variant has not been reported in the literature in individuals affected with CASP10-related conditions. ClinVar contains an entry for this variant (Variation ID: 3750333). Invitae Evidence Modeling of protein sequence and biophysical properties (such as structural, functional, and spatial information, amino acid conservation, physicochemical variation, residue mobility, and thermodynamic stability) indicates that this missense variant is not expected to disrupt CASP10 protein function with a negative predictive value of 80%. In summary, the available evidence is currently insufficient to determine the role of this variant in disease. Therefore, it has been classified as a Variant of Uncertain Significance.